The following is an entry in ClinVar:

NM_198271.5(LMOD3):c.154del (p.Gly51_Met52insTer)

Genes: LMOD3 (leiomodin 3; minus strand), LOC126806710 (CDK7 strongly-dependent group 2 enhancer GRCh37_chr3:69170601-69171800; plus strand). Cytogenetic location: 3p14.1.
Variant type: Deletion.
Coding change: c.154del on transcript NM_198271.5 (MANE Select); coding-DNA position 154, one base deleted (A; older notation c.154delA).
Protein change: p.Gly51_Met52insTer.
Molecular consequence: nonsense.
Genome position (GRCh38, 1-based): chr3:69,122,233, T deleted on the plus strand (A on the coding strand, the reverse complement: LMOD3 is on the minus strand); the first of 2 consecutive T bases (chr3:69,122,233-69,122,234); deleting either gives the same sequence. VCF-style (leftmost placement, unchanged base first): chr3-69122232-AT-A. GRCh37 (hg19) VCF-style: chr3-69171383-AT-A.
Other names: c.154del, p.Gly51_Met52insTer (NM_001304418.3).
Identifiers: ClinVar variation 1450617 (VCV001450617.6), dbSNP rs1369933918, ClinGen allele CA909810717.

ClinVar aggregate classification (germline): Pathogenic. Review status: criteria provided, multiple submitters, no conflicts (2 of 4 stars). 2 submissions from 2 submitters: Pathogenic (2). Last evaluated 2025-07-27.

Conditions:
Nemaline myopathy 10 (NEM10). Identifiers: MedGen C4015360, MONDO:0014513, OMIM 616165.

Submissions (2):

Labcorp Genetics (formerly Invitae), Labcorp
Classification: Pathogenic for Nemaline myopathy 10. Last evaluated: 2025-07-27. Review status: criteria provided, single submitter. Criteria: Invitae Variant Classification Sherloc (09022015). Collection method: clinical testing. Allele origin: germline.
Comment: This sequence change creates a premature translational stop signal (p.Met52*) in the LMOD3 gene. It is expected to result in an absent or disrupted protein product. Loss-of-function variants in LMOD3 are known to be pathogenic (PMID: 25250574). This variant is not present in population databases (gnomAD no frequency). This premature translational stop signal has been observed in individual(s) with autosomal recessive nemaline myopathy (PMID: 25250574). ClinVar contains an entry for this variant (Variation ID: 1450617). For these reasons, this variant has been classified as Pathogenic.

Laboratorio de Genetica e Diagnostico Molecular, Hospital Israelita Albert Einstein
Classification: Pathogenic for Nemaline myopathy 10. Last evaluated: 2023-02-10. Review status: criteria provided, single submitter. Criteria: ACMG Guidelines, 2015. Collection method: clinical testing. Allele origin: germline. Affected: yes. Observed: 1 variant allele.
Comment: ACMG classification criteria: PVS1 very strong, PM2 moderated, PM3 moderated

Literature cited by the submitters: PubMed 25250574 (cited by Labcorp Genetics (formerly Invitae), Labcorp).